The following is an entry in ClinVar:

ClinVar aggregate classification (germline): Uncertain significance (1 of 4 stars; one submission).

Conditions:
Hereditary cancer-predisposing syndrome. Also called: Neoplastic Syndromes, Hereditary; Tumor predisposition; Hereditary Cancer Syndrome; Hereditary neoplastic syndrome. Identifiers: Orphanet 140162, MedGen C0027672, MeSH D009386, MONDO:0015356.

Submission:

Ambry Genetics
Classification: Uncertain significance for Hereditary cancer-predisposing syndrome. Last evaluated: 2025-04-04. Review status: criteria provided, single submitter. Criteria: Ambry Variant Classification Scheme 2023. Collection method: clinical testing. Allele origin: germline.
Comment: The p.L2910P variant (also known as c.8729T>C), located in coding exon 59 of the ATM gene, results from a T to C substitution at nucleotide position 8729. The leucine at codon 2910 is replaced by proline, an amino acid with similar properties. This amino acid position is conserved. In addition, this alteration is predicted to be deleterious by in silico analysis. Based on the available evidence, the clinical significance of this variant remains unclear.

NM_000051.4(ATM):c.8729T>C (p.Leu2910Pro)

Genes: ATM (ATM serine/threonine kinase; plus strand), C11orf65 (chromosome 11 open reading frame 65; minus strand). Cytogenetic location: 11q22.3.
Variant type: single nucleotide variant.
Coding change: c.8729T>C on transcript NM_000051.4 (MANE Select); coding-DNA position 8729, T replaced by C.
Protein change: p.Leu2910Pro; replaces leucine 2910 with proline.
Molecular consequence: missense variant. On other transcripts: intron variant (2).
Genome position (GRCh38, 1-based): chr11:108,353,823, T>C. VCF-style: chr11-108353823-T-C. GRCh37 (hg19) VCF-style: chr11-108224550-T-C.
Other names: c.8729T>C, p.Leu2910Pro (NM_001351834.2); c.640+32097A>G (NM_001330368.2); c.695-18531A>G (NM_001351110.2); short protein forms L2910P.
Identifiers: ClinVar variation 3966336 (VCV003966336.1).